The following is an entry in ClinVar:

Single allele

Variant type: Duplication.
Identifiers: ClinVar variation 559468 (VCV000559468.3).

ClinVar aggregate classification (germline): Uncertain significance (1 of 4 stars; one submission).

Submission:

Geisinger Autism and Developmental Medicine Institute, Geisinger Health System
Classification: Uncertain significance. Last evaluated: 2017-12-01. Review status: criteria provided, single submitter. Criteria: ACMG CNV Guidelines, 2011. Collection method: provider interpretation. Allele origin: unknown.
Comment: It includes 8 genes: CRLD2, CSF2RA, IL3RA, SLC25A6, ASMTL-AS1, ASMTL, P2RY8, AKAP17A, ASMT. The majority of these genes are not associated with known conditions. The CSF2RA gene is associated with hereditary pulmonary alveolar proteinosis, caused by loss of function of CSF2RA due to gene deletion or protein truncation. The ASMT gene has been implicated as potentially associated with autism spectrum disorders. Several association studies have published a possible increased risk for autism; however, additional studies failed to duplicate this association. Additionally, one publication (Cai et al. 2008) found an interstitial duplication of ASMT at a higher frequency in individuals with autism spectrum disorders compared to controls. This duplication included at least exons 2-8 of ASMT. The significance of entire gene duplications is unclear. Parental testing has not been completed to date.

Literature cited by the submitters: PubMed 18925931.